The following is an entry in ClinVar:

ClinVar aggregate classification (germline): Uncertain significance. Review status: criteria provided, multiple submitters, no conflicts (2 of 4 stars). 2 submissions from 2 submitters: Uncertain significance (2). Last evaluated 2026-06-29.

Conditions:
Inborn genetic diseases. Identifiers: MedGen C0950123, MeSH D030342.

Allele frequency attached by ClinVar (database versions not stated): gnomAD exomes below 0.00001; TOPMed below 0.00001; gnomAD 0.00001.
gnomAD v4.1: 3 of 1,613,916 alleles (0.00019%); highest among the groups gnomAD compares: South Asian, 0.0011%; no homozygotes.

Submissions (2):

Ambry Genetics
Classification: Uncertain significance for Inborn genetic diseases. Last evaluated: 2026-06-29. Review status: criteria provided, single submitter. Criteria: Ambry Variant Classification Scheme 2023. Collection method: clinical testing. Allele origin: germline.

Labcorp Genetics (formerly Invitae), Labcorp
Classification: Uncertain significance. Last evaluated: 2023-03-01. Review status: criteria provided, single submitter. Criteria: Invitae Variant Classification Sherloc (09022015). Collection method: clinical testing. Allele origin: germline.
Comment: In summary, the available evidence is currently insufficient to determine the role of this variant in disease. Therefore, it has been classified as a Variant of Uncertain Significance. Advanced modeling of protein sequence and biophysical properties (such as structural, functional, and spatial information, amino acid conservation, physicochemical variation, residue mobility, and thermodynamic stability) performed at Invitae indicates that this missense variant is not expected to disrupt GATAD2B protein function. This variant has not been reported in the literature in individuals affected with GATAD2B-related conditions. This sequence change replaces valine, which is neutral and non-polar, with methionine, which is neutral and non-polar, at codon 105 of the GATAD2B protein (p.Val105Met). This variant is not present in population databases (gnomAD no frequency).

NM_020699.4(GATAD2B):c.313G>A (p.Val105Met)

Gene: GATAD2B (GATA zinc finger domain containing 2B; minus strand). Cytogenetic location: 1q21.3.
Variant type: single nucleotide variant.
Coding change: c.313G>A on transcript NM_020699.4 (MANE Select); coding-DNA position 313, G replaced by A.
Protein change: p.Val105Met; replaces valine 105 with methionine.
Molecular consequence: missense variant.
Genome position (GRCh38, 1-based): chr1:153,828,035, C>T on the plus strand (G>A on the coding strand, the complement: GATAD2B is on the minus strand). VCF-style: chr1-153828035-C-T. GRCh37 (hg19) VCF-style: chr1-153800511-C-T.
Other names: c.313G>A (NM_020699.2); short protein forms V105M.
Identifiers: ClinVar variation 2875984 (VCV002875984.4), dbSNP rs1486637024, ClinGen allele CA342539885.